The following is an entry in ClinVar:

ClinVar aggregate classification (germline): Uncertain significance. Review status: criteria provided, multiple submitters, no conflicts (2 of 4 stars). 2 submissions from 2 submitters: Uncertain significance (2). Last evaluated 2025-08-06.

Conditions:
TTN-related disorder. Also called: TTN-related disorders; TTN-related condition; TTN-related disease.
Autosomal recessive limb-girdle muscular dystrophy type 2J (LGMDR10). Also called: Limb-girdle muscular dystrophy, type 2J; MUSCULAR DYSTROPHY, LIMB-GIRDLE, AUTOSOMAL RECESSIVE 10. Identifiers: Orphanet 140922, MedGen C1837342, MONDO:0012127, OMIM 608807.
Dilated cardiomyopathy 1G (CMD1G). Identifiers: Orphanet 154, MedGen C1858763, MONDO:0011400, OMIM 604145.

Allele frequency attached by ClinVar (database versions not stated): ExAC 0.00001; TOPMed 0.00001.
gnomAD v4.1: 3 of 1,612,874 alleles (0.00019%); highest among the groups gnomAD compares: Non-Finnish European, 0.00025%; no homozygotes.

Submissions (2):

PreventionGenetics, part of Exact Sciences
Classification: Uncertain significance for TTN-related condition. Last evaluated: 2025-08-06. Review status: criteria provided, single submitter. Criteria: ACMG Guidelines, 2015. Collection method: clinical testing. Allele origin: germline.
Comment: The TTN c.39511G>A variant is predicted to result in the amino acid substitution p.Val13171Met. To our knowledge, this variant has not been reported in the literature. This variant is reported in 0.00089% of alleles in individuals of European (Non-Finnish) descent in gnomAD. At this time, the clinical significance of this variant is uncertain due to the absence of conclusive functional and genetic evidence.

Labcorp Genetics (formerly Invitae), Labcorp
Classification: Uncertain significance for Dilated cardiomyopathy 1G; Autosomal recessive limb-girdle muscular dystrophy type 2J. Last evaluated: 2016-07-18. Review status: criteria provided, single submitter. Criteria: Invitae Variant Classification Sherloc (09022015). Collection method: clinical testing. Allele origin: germline.

NM_001267550.2(TTN):c.39511G>A (p.Val13171Met)

Gene: TTN (titin; minus strand). Cytogenetic location: 2q31.2.
Variant type: single nucleotide variant.
Coding change: c.39511G>A on transcript NM_001267550.2 (MANE Select); coding-DNA position 39511, G replaced by A.
Protein change: p.Val13171Met; replaces valine 13171 with methionine.
Molecular consequence: missense variant. On other transcripts: intron variant (3).
Genome position (GRCh38, 1-based): chr2:178,651,489, C>T on the plus strand (G>A on the coding strand, the complement: TTN is on the minus strand). VCF-style: chr2-178651489-C-T. GRCh37 (hg19) VCF-style: chr2-179516216-C-T.
Other names: c.34990G>A, p.Val11664Met (NM_001256850.1); c.32209G>A, p.Val10737Met (NM_133378.4); c.13283-9172G>A (NM_003319.4); c.13859-9172G>A (NM_133437.4); c.13658-9172G>A (NM_133432.3); short protein forms V13171M, V10737M, V11664M.
Identifiers: ClinVar variation 404945 (VCV000404945.4), dbSNP rs780550944, ClinGen allele CA1996688.